The following is an entry in ClinVar:

ClinVar aggregate classification (germline): Likely benign. Review status: criteria provided, multiple submitters, no conflicts (2 of 4 stars). 3 submissions from 3 submitters: Likely benign (3). Last evaluated 2026-01-22.

Conditions:
COL18A1-related disorder. Also called: COL18A1-related condition; COL18A1-related disorders.

Allele frequency attached by ClinVar (database versions not stated): gnomAD exomes below 0.00001; ExAC 0.00002; TOPMed 0.00003; gnomAD 0.00004.
gnomAD v4.1: 8 of 1,611,254 alleles (0.0005%); highest among the groups gnomAD compares: African/African-American, 0.0082%; no homozygotes.

Submissions (3):

PreventionGenetics, part of Exact Sciences
Classification: Likely benign for COL18A1-related condition. Last evaluated: 2026-01-22. Review status: criteria provided, single submitter. Criteria: ACMG Guidelines, 2015. Collection method: clinical testing. Allele origin: germline.
Comment: This variant is classified as likely benign based on ACMG/AMP sequence variant interpretation guidelines (Richards et al. 2015 PMID: 25741868, with internal and published modifications).

Labcorp Genetics (formerly Invitae), Labcorp
Classification: Likely benign. Last evaluated: 2025-07-02. Review status: criteria provided, single submitter. Criteria: Invitae Variant Classification Sherloc (09022015). Collection method: clinical testing. Allele origin: germline.

Blueprint Genetics
Classification: Likely benign. Last evaluated: 2021-03-02. Review status: criteria provided, single submitter. Criteria: ACMG Guidelines, 2015. Collection method: clinical testing. Allele origin: germline.

NM_001379500.1(COL18A1):c.2684-10T>C

Genes: SLC19A1 (solute carrier family 19 member 1; minus strand), COL18A1 (collagen type XVIII alpha 1 chain; plus strand). Cytogenetic location: 21q22.3.
Variant type: single nucleotide variant.
Coding change: c.2684-10T>C on transcript NM_001379500.1 (MANE Select); 10 bases into the intron before coding-DNA position 2684, T replaced by C.
Molecular consequence: intron variant.
Genome position (GRCh38, 1-based): chr21:45,504,001, T>C. VCF-style: chr21-45504001-T-C. GRCh37 (hg19) VCF-style: chr21-46923915-T-C.
Other names: c.3929-10T>C (NM_130444.3); c.3224-10T>C (NM_030582.4, NM_030582.3).
Identifiers: ClinVar variation 2100303 (VCV002100303.6), dbSNP rs769911552, ClinGen allele CA10067388.